The following is an entry in ClinVar:

NM_001317778.2(SFTPC):c.*36A>G

Gene: SFTPC (surfactant protein C; plus strand). Cytogenetic location: 8p21.3.
Variant type: single nucleotide variant.
Coding change: c.*36A>G on transcript NM_001317778.2 (MANE Select); 36 bases downstream of the stop codon, A replaced by G.
Molecular consequence: 3 prime UTR variant.
Genome position (GRCh38, 1-based): chr8:22,164,283, A>G. VCF-style: chr8-22164283-A-G. GRCh37 (hg19) VCF-style: chr8-22021796-A-G.
Other names: c.*242A>G (NM_001172357.2); c.*28A>G (NM_001172410.2, NM_001317780.2); c.*36A>G (NM_001317779.2, NM_003018.4).
Identifiers: ClinVar variation 362567 (VCV000362567.7), dbSNP rs75518353, ClinGen allele CA4664106.

ClinVar aggregate classification (germline): Benign/Likely benign. Review status: criteria provided, multiple submitters, no conflicts (2 of 4 stars). 2 submissions from 2 submitters: Benign (1); Likely benign (1). Last evaluated 2018-01-12.

Conditions:
Surfactant metabolism dysfunction, pulmonary, 2 (SMDP2). Also called: DESQUAMATIVE INTERSTITIAL PNEUMONITIS DUE TO SURFACTANT PROTEIN C DEFICIENCY; INTERSTITIAL LUNG DISEASE DUE TO SURFACTANT PROTEIN C DEFICIENCY; PULMONARY ALVEOLAR PROTEINOSIS, CONGENITAL, 2. Identifiers: Orphanet 440392, MedGen C1970470, MONDO:0024465, OMIM 610913.

Allele frequency attached by ClinVar (database versions not stated): gnomAD exomes 0.00243; ExAC 0.00194; gnomAD 0.01088 and 0.01018; 1000 Genomes Project 0.01198; TOPMed 0.01119; 1000 Genomes Project 30x 0.01249.
gnomAD v4.1: 3,116 of 1,536,190 alleles (0.2%); highest among the groups gnomAD compares: African/African-American, 3.6%; 51 homozygotes.

Submissions (2):

Illumina Laboratory Services, Illumina
Classification: Benign for Surfactant metabolism dysfunction, pulmonary, 2. Last evaluated: 2018-01-12. Review status: criteria provided, single submitter. Criteria: ICSL Variant Classification Criteria 13 December 2019. Collection method: clinical testing. Allele origin: germline.
Comment: This variant was observed in the ICSL laboratory as part of a predisposition screen in an ostensibly healthy population. It had not been previously curated by ICSL or reported in the Human Gene Mutation Database (HGMD: prior to June 1st, 2018), and was therefore a candidate for classification through an automated scoring system. Utilizing variant allele frequency, disease prevalence and penetrance estimates, and inheritance mode, an automated score was calculated to assess if this variant is too frequent to cause the disease. Based on the score and internal cut-off values, a variant classified as benign is not then subjected to further curation. The score for this variant resulted in a classification of benign for this disease.

Breakthrough Genomics
Classification: Likely benign. Review status: criteria provided, single submitter. Criteria: ACMG Guidelines, 2015. Collection method: not provided. Allele origin: germline. Inheritance: Autosomal dominant inheritance. Affected: yes.